The following is an entry in ClinVar:

ClinVar aggregate classification (germline): Uncertain significance (1 of 4 stars; one submission).

Conditions:
Hereditary cancer-predisposing syndrome. Also called: Tumor predisposition; Hereditary Cancer Syndrome; Hereditary neoplastic syndrome; Neoplastic Syndromes, Hereditary. Identifiers: Orphanet 140162, MedGen C0027672, MeSH D009386, MONDO:0015356.

gnomAD v4.1: 1 of 1,614,058 alleles (0.000062%); highest among the groups gnomAD compares: Admixed American, 0.0017%; no homozygotes.

Submission:

Ambry Genetics
Classification: Uncertain significance for Hereditary cancer-predisposing syndrome. Last evaluated: 2024-06-13. Review status: criteria provided, single submitter. Criteria: Ambry Variant Classification Scheme 2023. Collection method: clinical testing. Allele origin: germline.
Comment: The p.M997I variant (also known as c.2991G>A), located in coding exon 18 of the ALK gene, results from a G to A substitution at nucleotide position 2991. The methionine at codon 997 is replaced by isoleucine, an amino acid with highly similar properties. This amino acid position is conserved. In addition, this alteration is predicted to be tolerated by in silico analysis. Based on the available evidence, the clinical significance of this variant remains unclear.

NM_004304.5(ALK):c.2991G>A (p.Met997Ile)

Gene: ALK (ALK receptor tyrosine kinase; minus strand). Cytogenetic location: 2p23.2.
Variant type: single nucleotide variant.
Coding change: c.2991G>A on transcript NM_004304.5 (MANE Select); coding-DNA position 2991, G replaced by A.
Protein change: p.Met997Ile; replaces methionine 997 with isoleucine.
Molecular consequence: missense variant.
Genome position (GRCh38, 1-based): chr2:29,226,998, C>T on the plus strand (G>A on the coding strand, the complement: ALK is on the minus strand). VCF-style: chr2-29226998-C-T. GRCh37 (hg19) VCF-style: chr2-29449864-C-T.
Other names: short protein forms M997I.
Identifiers: ClinVar variation 3286486 (VCV003286486.1).